The following is an entry in ClinVar:

NM_006765.4(TUSC3):c.*2450A>G

Gene: TUSC3 (tumor suppressor candidate 3; plus strand). Cytogenetic location: 8p22.
Variant type: single nucleotide variant.
Coding change: c.*2450A>G on transcript NM_006765.4 (MANE Select); 2450 bases downstream of the stop codon, A replaced by G.
Molecular consequence: 3 prime UTR variant.
Genome position (GRCh38, 1-based): chr8:15,766,606, A>G. VCF-style: chr8-15766606-A-G. GRCh37 (hg19) VCF-style: chr8-15624115-A-G.
Other names: c.*2388A>G (NM_178234.2).
Identifiers: ClinVar variation 911204 (VCV000911204.4), dbSNP rs188010701, ClinGen allele CA172843216.
Genomic context (GRCh38, chr8:15,766,606, plus strand): 5'-TAAAGGAGTTTCATTTTGTAATAACATCTGATTAATAACTTGTTGCATTTTGCTTAACAT[A>G]CTGTTCCTGGCATTAGATATTCACATGAGTAAGCCCAGTAGCATTTTGTGCTTACTGCAG-3'

ClinVar aggregate classification (germline): Likely benign (1 of 4 stars; one submission).

Conditions:
Congenital disorder of glycosylation (CDG). Also called: Carbohydrate-deficient glycoprotein syndrome; Congenital disorders of glycosylation. Identifiers: Orphanet 137, MedGen C0282577, MONDO:0015286.

Allele frequency attached by ClinVar (database versions not stated): 1000 Genomes Project 0.00399; 1000 Genomes Project 30x 0.00422; gnomAD 0.00543 and 0.00593; TOPMed 0.00634.
gnomAD v4.1: 818 of 152,236 alleles (0.54%); highest among the groups gnomAD compares: African/African-American, 1.9%; 13 homozygotes.

Submission:

Illumina Laboratory Services, Illumina
Classification: Likely benign for Congenital disorder of glycosylation. Last evaluated: 2018-01-12. Review status: criteria provided, single submitter. Criteria: ICSL Variant Classification Criteria 13 December 2019. Collection method: clinical testing. Allele origin: germline.
Comment: This variant was observed in the ICSL laboratory as part of a predisposition screen in an ostensibly healthy population. It had not been previously curated by ICSL or reported in the Human Gene Mutation Database (HGMD: prior to June 1st, 2018), and was therefore a candidate for classification through an automated scoring system. Utilizing variant allele frequency, disease prevalence and penetrance estimates, and inheritance mode, an automated score was calculated to assess if this variant is too frequent to cause the disease. Based on the score and internal cut-off values, a variant classified as likely benign is not then subjected to further curation. The score for this variant resulted in a classification of likely benign for this disease.